The following is an entry in ClinVar:

NM_001005361.3(DNM2):c.2378del (p.Leu793fs)

Gene: DNM2 (dynamin 2; plus strand). Cytogenetic location: 19p13.2.
Variant type: Deletion.
Coding change: c.2378del on transcript NM_001005361.3 (MANE Select); coding-DNA position 2378, one base deleted (T; older notation c.2378delT).
Protein change: p.Leu793fs; shifts the reading frame from leucine 793.
Molecular consequence: frameshift variant.
Genome position (GRCh38, 1-based): chr19:10,830,213, T deleted. VCF-style (leftmost placement, unchanged base first): chr19-10830212-CT-C. GRCh37 (hg19) VCF-style: chr19-10940888-CT-C.
Other names: c.2378del, p.Leu793fs (NM_001005360.3, NM_001190716.2); c.2366del, p.Leu789fs (NM_001005362.3, NM_004945.4); short protein forms L789fs, L793fs.
Identifiers: ClinVar variation 1398934 (VCV001398934.6), dbSNP rs2073289875, ClinGen allele CA2322627922.
Genomic context (GRCh38, chr19:10,830,212, plus strand): 5'-TCCAGCATACACCCCCCTGGCCGGCCCCCAGCAGTGAGGGGCCCCACTCCAGGGCCCCCC[CT>C]GATTCCTGTTCCCGTGGGGGCAGCAGCCTCCTTCTCGGCGCCCCCAATCCCATCCCGGCC-3'

ClinVar aggregate classification (germline): Uncertain significance (1 of 4 stars; one submission).

Conditions:
Charcot-Marie-Tooth disease dominant intermediate B (CMTDIB). Also called: CHARCOT-MARIE-TOOTH NEUROPATHY, DOMINANT INTERMEDIATE B; Charcot-Marie-Tooth disease dominant intermediate 1; CMT DI1; Charcot-Marie-Tooth disease dominant intermediate I. Identifiers: Orphanet 100044, Orphanet 228179, MedGen C1847902, MONDO:0011674, OMIM 606482.

Allele frequency attached by ClinVar (database versions not stated): gnomAD exomes below 0.00001; TOPMed below 0.00001.

Submission:

Labcorp Genetics (formerly Invitae), Labcorp
Classification: Uncertain significance for Charcot-Marie-Tooth disease dominant intermediate B. Last evaluated: 2024-10-16. Review status: criteria provided, single submitter. Criteria: Invitae Variant Classification Sherloc (09022015). Collection method: clinical testing. Allele origin: germline.
Comment: This sequence change results in a frameshift in the DNM2 gene (p.Leu793Argfs*122). While this is not anticipated to result in nonsense mediated decay, it is expected to disrupt the last 78 amino acid(s) of the DNM2 protein and extend the protein by 43 additional amino acid residues. This variant is not present in population databases (gnomAD no frequency). This variant has not been reported in the literature in individuals affected with DNM2-related conditions. ClinVar contains an entry for this variant (Variation ID: 1398934). Experimental studies and prediction algorithms are not available or were not evaluated, and the functional significance of this variant is currently unknown. In summary, the available evidence is currently insufficient to determine the role of this variant in disease. Therefore, it has been classified as a Variant of Uncertain Significance.